The following is an entry in ClinVar:

ClinVar aggregate classification (germline): Uncertain significance. Review status: criteria provided, multiple submitters, no conflicts (2 of 4 stars). 2 submissions from 2 submitters: Uncertain significance (2). Last evaluated 2025-04-02.

Conditions:
Pitt-Hopkins syndrome (PTHS). Also called: ENCEPHALOPATHY, SEVERE EPILEPTIC, WITH AUTONOMIC DYSFUNCTION; MENTAL RETARDATION, SYNDROMAL, WITH INTERMITTENT HYPERVENTILATION. Identifiers: Orphanet 2896, MedGen C1970431, MONDO:0012589, OMIM 610954.

Allele frequency attached by ClinVar (database versions not stated): gnomAD 0.00001 and 0.00002; TOPMed 0.00002.

Submissions (2):

Labcorp Genetics (formerly Invitae), Labcorp
Classification: Uncertain significance for Pitt-Hopkins syndrome. Last evaluated: 2025-04-02. Review status: criteria provided, single submitter. Criteria: Invitae Variant Classification Sherloc (09022015). Collection method: clinical testing. Allele origin: germline.
Comment: This sequence change replaces serine, which is neutral and polar, with leucine, which is neutral and non-polar, at codon 198 of the TCF4 protein (p.Ser198Leu). This variant is not present in population databases (gnomAD no frequency). This variant has not been reported in the literature in individuals affected with TCF4-related conditions. ClinVar contains an entry for this variant (Variation ID: 1691162). Invitae Evidence Modeling of protein sequence and biophysical properties (such as structural, functional, and spatial information, amino acid conservation, physicochemical variation, residue mobility, and thermodynamic stability) has been performed for this missense variant. However, the output from this modeling did not meet the statistical confidence thresholds required to predict the impact of this variant on TCF4 protein function. In summary, the available evidence is currently insufficient to determine the role of this variant in disease. Therefore, it has been classified as a Variant of Uncertain Significance.

GeneDx
Classification: Uncertain significance. Last evaluated: 2021-12-06. Review status: criteria provided, single submitter. Criteria: GeneDx Variant Classification Process June 2021. Collection method: clinical testing. Allele origin: germline. Affected: yes.
Comment: In silico analysis supports that this missense variant has a deleterious effect on protein structure/function; Has not been previously published as pathogenic or benign to our knowledge

NM_001083962.2(TCF4):c.593C>T (p.Ser198Leu)

Gene: TCF4 (transcription factor 4; minus strand). Cytogenetic location: 18q21.2.
Variant type: single nucleotide variant.
Coding change: c.593C>T on transcript NM_001083962.2 (MANE Select); coding-DNA position 593, C replaced by T.
Protein change: p.Ser198Leu; replaces serine 198 with leucine.
Molecular consequence: missense variant. On other transcripts: 5 prime UTR variant (1).
Genome position (GRCh38, 1-based): chr18:55,279,613, G>A on the plus strand (C>T on the coding strand, the complement: TCF4 is on the minus strand). VCF-style: chr18-55279613-G-A. GRCh37 (hg19) VCF-style: chr18-52946844-G-A.
Other names: c.521C>T, p.Ser174Leu (NM_001369577.1, NM_001369579.1, NM_001369580.1 and 9 more transcripts); c.518C>T, p.Ser173Leu (NM_001369578.1, NM_001369581.1, NM_001369584.1 and 3 more transcripts); c.899C>T, p.Ser300Leu (NM_001243226.3); c.611C>T, p.Ser204Leu (NM_001243228.2); c.587C>T, p.Ser196Leu (NM_001243230.2); c.467C>T, p.Ser156Leu (NM_001243231.2, NM_001348211.2); c.380C>T, p.Ser127Leu (NM_001243232.1, NM_001306208.1); c.203C>T, p.Ser68Leu (NM_001243233.2, NM_001330605.3, NM_001348212.2 and 1 more transcripts); and 4 more; short protein forms S127L, S156L, S173L, S174L, S196L, S197L, S198L, S204L.
Identifiers: ClinVar variation 1691162 (VCV001691162.3), dbSNP rs1313604252, ClinGen allele CA402701840.
Genomic context (GRCh38, chr18:55,279,613, plus strand): 5'-TGCATGAAGAAGGAGCTAGGGAAAGTGCTGGTTGCTGGTTTGGAGGAAGGATAGCCTGGC[G>A]AGTCCCTATTGTAGTCGGCAGTGCTTGCTGATGGAGCATAGACCTGAGGAGAAAGAACCA-3'
Protein context (NP_001077431.1, residues 188-208): SASTADYNRD[Ser198Leu]PGYPSSKPAT